The following is an entry in ClinVar:

ClinVar aggregate classification (germline): Pathogenic/Likely pathogenic. Review status: criteria provided, multiple submitters, no conflicts (2 of 4 stars). 3 submissions from 3 submitters: Pathogenic (1); Likely pathogenic (2). Last evaluated 2025-10-17.

Conditions:
Developmental and epileptic encephalopathy, 18 (DEE18). Also called: Early infantile epileptic encephalopathy 18. Identifiers: Orphanet 369894, MedGen C3809624, MONDO:0014201, OMIM 615476.

Allele frequency attached by ClinVar (database versions not stated): gnomAD exomes 0.00001.
gnomAD v4.1: 15 of 1,614,180 alleles (0.00093%); highest among the groups gnomAD compares: Non-Finnish European, 0.0012%; no homozygotes.

Submissions (3):

Labcorp Genetics (formerly Invitae), Labcorp
Classification: Pathogenic. Last evaluated: 2025-10-17. Review status: criteria provided, single submitter. Criteria: Invitae Variant Classification Sherloc (09022015). Collection method: clinical testing. Allele origin: germline.
Comment: This sequence change creates a premature translational stop signal (p.Arg2830*) in the SZT2 gene. It is expected to result in an absent or disrupted protein product. Loss-of-function variants in SZT2 are known to be pathogenic (PMID: 23932106, 27248490, 28556953). This variant is present in population databases (rs200178393, gnomAD 0.006%). This premature translational stop signal has been observed in individual(s) with developmental and epileptic encephalopathy (PMID: 29100083). ClinVar contains an entry for this variant (Variation ID: 944876). Algorithms developed to predict the effect of sequence changes on RNA splicing suggest that this variant may disrupt the consensus splice site. For these reasons, this variant has been classified as Pathogenic.

GeneDx
Classification: Likely pathogenic. Last evaluated: 2024-09-12. Review status: criteria provided, single submitter. Criteria: GeneDx Variant Classification Process June 2021. Collection method: clinical testing. Allele origin: germline. Affected: yes.
Comment: Observed with a second SZT2 variant on the opposite allele (in trans) in a patient in the published literature; however, further clinical details were not provided (PMID: 29100083); Nonsense variant predicted to result in protein truncation or nonsense mediated decay in a gene for which loss of function is a known mechanism of disease; Not observed at significant frequency in large population cohorts (gnomAD); This variant is associated with the following publications: (PMID: 29100083)

Institute of Human Genetics, University of Leipzig Medical Center
Classification: Likely pathogenic for Developmental and epileptic encephalopathy, 18. Last evaluated: 2022-10-27. Review status: criteria provided, single submitter. Criteria: ACMG Guidelines, 2015. Collection method: clinical testing. Allele origin: paternal. Inheritance: Autosomal recessive inheritance. Affected: yes.
Comment: Criteria applied: PVS1,PM2_SUP; Identified as compund heterozygous with NM_001365999.1:c.3424A>C

Literature cited by the submitters: PubMed 23932106 (cited by Labcorp Genetics (formerly Invitae), Labcorp); PubMed 27248490 (cited by Labcorp Genetics (formerly Invitae), Labcorp); PubMed 28556953 (cited by Labcorp Genetics (formerly Invitae), Labcorp); PubMed 29100083 (cited by Labcorp Genetics (formerly Invitae), Labcorp).

NM_001365999.1(SZT2):c.8659C>T (p.Arg2887Ter)

Gene: SZT2 (SZT2 subunit of KICSTOR complex; plus strand). Cytogenetic location: 1p34.2.
Variant type: single nucleotide variant.
Coding change: c.8659C>T on transcript NM_001365999.1 (MANE Select); coding-DNA position 8659, C replaced by T.
Protein change: p.Arg2887Ter; replaces arginine 2887 with a stop codon.
Molecular consequence: nonsense.
Genome position (GRCh38, 1-based): chr1:43,443,630, C>T. VCF-style: chr1-43443630-C-T. GRCh37 (hg19) VCF-style: chr1-43909301-C-T.
Other names: c.8488C>T, p.Arg2830Ter (NM_015284.4); short protein forms R2887*, R2830*.
Identifiers: ClinVar variation 944876 (VCV000944876.12), dbSNP rs200178393, ClinGen allele CA810646.